The following is an entry in ClinVar:

ClinVar aggregate classification (germline): Uncertain significance (1 of 4 stars; one submission).

Submission:

Labcorp Genetics (formerly Invitae), Labcorp
Classification: Uncertain significance. Last evaluated: 2024-03-20. Review status: criteria provided, single submitter. Criteria: Invitae Variant Classification Sherloc (09022015). Collection method: clinical testing. Allele origin: germline.
Comment: This sequence change replaces valine, which is neutral and non-polar, with leucine, which is neutral and non-polar, at codon 3 of the KLHL9 protein (p.Val3Leu). This variant is not present in population databases (gnomAD no frequency). This variant has not been reported in the literature in individuals affected with KLHL9-related conditions. An algorithm developed to predict the effect of missense changes on protein structure and function (PolyPhen-2) suggests that this variant is likely to be tolerated. In summary, the available evidence is currently insufficient to determine the role of this variant in disease. Therefore, it has been classified as a Variant of Uncertain Significance.

NM_018847.4(KLHL9):c.7G>C (p.Val3Leu)

Genes: KLHL9 (kelch like family member 9; minus strand), LOC130001592 (ATAC-STARR-seq lymphoblastoid active region 28237; plus strand). Cytogenetic location: 9p21.3.
Variant type: single nucleotide variant.
Coding change: c.7G>C on transcript NM_018847.4 (MANE Select); coding-DNA position 7, G replaced by C.
Protein change: p.Val3Leu; replaces valine 3 with leucine.
Molecular consequence: missense variant.
Genome position (GRCh38, 1-based): chr9:21,334,853, C>G on the plus strand (G>C on the coding strand, the complement: KLHL9 is on the minus strand). VCF-style: chr9-21334853-C-G. GRCh37 (hg19) VCF-style: chr9-21334852-C-G.
Other names: short protein forms V3L.
Identifiers: ClinVar variation 3667922 (VCV003667922.2).